The following is an entry in ClinVar:

NM_032802.4(SPPL2A):c.536C>G (p.Ala179Gly)

Gene: SPPL2A (signal peptide peptidase like 2A; minus strand). Cytogenetic location: 15q21.2.
Variant type: single nucleotide variant.
Coding change: c.536C>G on transcript NM_032802.4 (MANE Select); coding-DNA position 536, C replaced by G.
Protein change: p.Ala179Gly; replaces alanine 179 with glycine.
Molecular consequence: missense variant.
Genome position (GRCh38, 1-based): chr15:50,747,543, G>C on the plus strand (C>G on the coding strand, the complement: SPPL2A is on the minus strand). VCF-style: chr15-50747543-G-C. GRCh37 (hg19) VCF-style: chr15-51039740-G-C.
Other names: short protein forms A179G.
Identifiers: ClinVar variation 1409296 (VCV001409296.8), dbSNP rs200127156, ClinGen allele CA392413622.

ClinVar aggregate classification (germline): Uncertain significance (1 of 4 stars; one submission).

Submission:

Labcorp Genetics (formerly Invitae), Labcorp
Classification: Uncertain significance. Last evaluated: 2022-08-19. Review status: criteria provided, single submitter. Criteria: Invitae Variant Classification Sherloc (09022015). Collection method: clinical testing. Allele origin: germline.
Comment: This variant is not present in population databases (gnomAD no frequency). This sequence change replaces alanine, which is neutral and non-polar, with glycine, which is neutral and non-polar, at codon 179 of the SPPL2A protein (p.Ala179Gly). This variant has not been reported in the literature in individuals affected with SPPL2A-related conditions. ClinVar contains an entry for this variant (Variation ID: 1409296). Algorithms developed to predict the effect of missense changes on protein structure and function are either unavailable or do not agree on the potential impact of this missense change (SIFT: "Tolerated"; PolyPhen-2: "Possibly Damaging"; Align-GVGD: "Class C0"). In summary, the available evidence is currently insufficient to determine the role of this variant in disease. Therefore, it has been classified as a Variant of Uncertain Significance.